The following is an entry in ClinVar:

ClinVar aggregate classification (germline): Benign (1 of 4 stars; one submission).

Conditions:
Polycystic liver disease 1 (PCLD1). Also called: Polycystic liver disease 1 with or without kidney cysts. Identifiers: Orphanet 2924, MedGen C0887850, MONDO:0008265, OMIM 174050.

Allele frequency attached by ClinVar (database versions not stated): 1000 Genomes Project 30x 0.02077; TOPMed 0.01858; 1000 Genomes Project 0.02097; ExAC 0.00130.
gnomAD v4.1: 4,427 of 1,298,014 alleles (0.34%); highest among the groups gnomAD compares: African/African-American, 6%; 133 homozygotes.

Submission:

Illumina Laboratory Services, Illumina
Classification: Benign for Polycystic liver disease 1. Last evaluated: 2018-01-13. Review status: criteria provided, single submitter. Criteria: ICSL Variant Classification Criteria 13 December 2019. Collection method: clinical testing. Allele origin: germline.
Comment: This variant was observed in the ICSL laboratory as part of a predisposition screen in an ostensibly healthy population. It had not been previously curated by ICSL or reported in the Human Gene Mutation Database (HGMD: prior to June 1st, 2018), and was therefore a candidate for classification through an automated scoring system. Utilizing variant allele frequency, disease prevalence and penetrance estimates, and inheritance mode, an automated score was calculated to assess if this variant is too frequent to cause the disease. Based on the score and internal cut-off values, a variant classified as benign is not then subjected to further curation. The score for this variant resulted in a classification of benign for this disease.

NM_001289104.2(PRKCSH):c.-119C>G

Genes: ODAD3 (outer dynein arm docking complex subunit 3; minus strand), PRKCSH (PRKCSH beta subunit of glucosidase II; plus strand). Cytogenetic location: 19p13.2.
Variant type: single nucleotide variant.
Coding change: c.-119C>G on transcript NM_001289104.2 (MANE Select); 119 bases upstream of the start codon, C replaced by G.
Molecular consequence: 5 prime UTR variant. On other transcripts: intron variant (1).
Genome position (GRCh38, 1-based): chr19:11,435,665, C>G. VCF-style: chr19-11435665-C-G. GRCh37 (hg19) VCF-style: chr19-11546486-C-G.
Other names: c.-119C>G (NM_001001329.3, NM_002743.3); c.-123C>G (NM_001289103.2, NM_001379608.1, NM_001379609.1); c.82+25G>C (NM_001302453.1).
Identifiers: ClinVar variation 328167 (VCV000328167.7), dbSNP rs115820640, ClinGen allele CA9212604.
Genomic context (GRCh38, chr19:11,435,665, plus strand): 5'-GAAGTGACGGGGTCCAGAAATTTCCGCTTTCTTTCTGCAGCAGGAACCGCGGCTGCTGGA[C>G]AAGAGGGGTGCGGTGGATACTGACCTTTGCTCCGGCCTCGTGTAGGTGTGAACGAGCGGG-3'